The following is an entry in ClinVar:

NM_020822.3(KCNT1):c.2595-9C>T

Gene: KCNT1 (potassium sodium-activated channel subfamily T member 1; plus strand). Cytogenetic location: 9q34.3.
Variant type: single nucleotide variant.
Coding change: c.2595-9C>T on transcript NM_020822.3 (MANE Select); 9 bases into the intron before coding-DNA position 2595, C replaced by T.
Molecular consequence: intron variant.
Genome position (GRCh38, 1-based): chr9:135,778,679, C>T. VCF-style: chr9-135778679-C-T. GRCh37 (hg19) VCF-style: chr9-138670525-C-T.
Other names: c.2460-9C>T (NM_001272003.2).
Identifiers: ClinVar variation 385486 (VCV000385486.20), dbSNP rs369966222, ClinGen allele CA5327367.

ClinVar aggregate classification (germline): Conflicting classifications of pathogenicity. Review status: criteria provided, conflicting classifications (1 of 4 stars). 4 submissions from 4 submitters: Uncertain significance (1); Likely benign (3). Last evaluated 2026-05-07.

Conditions:
Developmental and epileptic encephalopathy, 14 (DEE14). Also called: Early infantile epileptic encephalopathy 14. Identifiers: Orphanet 293181, MedGen C3554195, MONDO:0013989, OMIM 614959.
Autosomal dominant nocturnal frontal lobe epilepsy 5. Also called: KCNT1-Related Epilepsy; CILIARY DYSKINESIA, PRIMARY, 28, WITHOUT SITUS INVERSUS; CILIARY DYSKINESIA, PRIMARY, 28, WITH SITUS INVERSUS; Epilepsy, nocturnal frontal lobe, 5. Identifiers: Orphanet 98784, MedGen C3554306, MONDO:0014002, OMIM 615005.

Allele frequency attached by ClinVar (database versions not stated): ExAC 0.00004; gnomAD exomes 0.00004 and 0.00007; gnomAD 0.00015 and 0.00016; 1000 Genomes Project 30x 0.00016; 1000 Genomes Project 0.00020; TOPMed 0.00021; ESP Exome Variant Server 0.00023.
gnomAD v4.1: 137 of 1,611,962 alleles (0.0085%); highest among the groups gnomAD compares: African/African-American, 0.059%; 1 homozygote.

Submissions (4):

Women's Health and Genetics/Laboratory Corporation of America, LabCorp
Classification: Likely benign. Last evaluated: 2026-05-07. Review status: criteria provided, single submitter. Criteria: LabCorp Variant Classification Summary - May 2015. Collection method: clinical testing. Allele origin: germline.

Labcorp Genetics (formerly Invitae), Labcorp
Classification: Likely benign for Autosomal dominant nocturnal frontal lobe epilepsy 5; Developmental and epileptic encephalopathy, 14. Last evaluated: 2026-01-25. Review status: criteria provided, single submitter. Criteria: Invitae Variant Classification Sherloc (09022015). Collection method: clinical testing. Allele origin: germline.

GeneDx
Classification: Likely benign. Last evaluated: 2021-08-25. Review status: criteria provided, single submitter. Criteria: GeneDx Variant Classification Process June 2021. Collection method: clinical testing. Allele origin: germline. Affected: yes.

Center for Genomics, Ann and Robert H. Lurie Children's Hospital of Chicago
Classification: Uncertain significance for Developmental and epileptic encephalopathy, 14; Autosomal dominant nocturnal frontal lobe epilepsy 5. Review status: criteria provided, single submitter. Criteria: ACMG Guidelines, 2015. Collection method: clinical testing. Allele origin: germline.
Comment: KCNT1 NM_020822 exon 23 c.2595-9C>T: This variant has not been reported in the literature but is present in 14/23932 African alleles in the Genome Aggregation Database. This variant is present in ClinVar (Variation ID:385486). Evolutionary conservation and computational predictive tools for this variant are limited or unavailable. This variant is an intronic variant with no predicted change in the amino acid sequence but may have an unknown effect on splicing. Further studies are needed to understand its impact. In summary, data on this variant is insufficient for disease classification. Therefore, the clinical significance of this variant is uncertain